The following is an entry in ClinVar:

NM_024408.4(NOTCH2):c.7377G>A (p.Met2459Ile)

Gene: NOTCH2 (notch receptor 2; minus strand). Cytogenetic location: 1p12.
Variant type: single nucleotide variant.
Coding change: c.7377G>A on transcript NM_024408.4 (MANE Select); coding-DNA position 7377, G replaced by A.
Protein change: p.Met2459Ile; replaces methionine 2459 with isoleucine.
Molecular consequence: missense variant.
Genome position (GRCh38, 1-based): chr1:119,915,345, C>T on the plus strand (G>A on the coding strand, the complement: NOTCH2 is on the minus strand). VCF-style: chr1-119915345-C-T. GRCh37 (hg19) VCF-style: chr1-120457968-C-T.
Other names: c.7377G>A (NM_024408.3); short protein forms M2459I.
Identifiers: ClinVar variation 1371402 (VCV001371402.12), dbSNP rs139658777, ClinGen allele CA1039277.

ClinVar aggregate classification (germline): Uncertain significance. Review status: criteria provided, multiple submitters, no conflicts (2 of 4 stars). 3 submissions from 3 submitters: Uncertain significance (3). Last evaluated 2026-05-15.

Conditions:
Hajdu-Cheney syndrome (HJCYS). Also called: SERPENTINE FIBULA-POLYCYSTIC KIDNEY SYNDROME; ACROOSTEOLYSIS WITH OSTEOPOROSIS AND CHANGES IN SKULL AND MANDIBLE; Acroosteolysis dominant type. Identifiers: Orphanet 955, MedGen C0917715, MONDO:0007057, OMIM 102500.
NOTCH2-related disorder. Also called: NOTCH2-related condition.
Alagille syndrome due to a NOTCH2 point mutation. Also called: Alagille syndrome 2. Identifiers: Orphanet 261629, Orphanet 52, MedGen C1857761, MONDO:0012439, OMIM 610205.

Allele frequency attached by ClinVar (database versions not stated): gnomAD 0.00001 and 0.00003; ExAC 0.00004; gnomAD exomes 0.00004 and 0.00005; TOPMed 0.00006; ESP Exome Variant Server 0.00023.
gnomAD v4.1: 71 of 1,613,852 alleles (0.0044%); highest among the groups gnomAD compares: Admixed American, 0.01%; no homozygotes.

Submissions (3):

PreventionGenetics, part of Exact Sciences
Classification: Uncertain significance for NOTCH2-related condition. Last evaluated: 2026-05-15. Review status: criteria provided, single submitter. Criteria: ACMG Guidelines, 2015. Collection method: clinical testing. Allele origin: germline.
Comment: The NOTCH2 c.7377G>A variant is predicted to result in the amino acid substitution p.Met2459Ile. To our knowledge, this variant has not been reported in the literature. This variant is reported in 0.0085% of alleles in individuals of Latino descent in gnomAD. At this time, the clinical significance of this variant is uncertain due to the absence of conclusive functional and genetic evidence.

Labcorp Genetics (formerly Invitae), Labcorp
Classification: Uncertain significance for Hajdu-Cheney syndrome. Last evaluated: 2026-01-27. Review status: criteria provided, single submitter. Criteria: Invitae Variant Classification Sherloc (09022015). Collection method: clinical testing. Allele origin: germline.
Comment: This sequence change replaces methionine, which is neutral and non-polar, with isoleucine, which is neutral and non-polar, at codon 2459 of the NOTCH2 protein (p.Met2459Ile). This variant is present in population databases (rs139658777, gnomAD 0.009%). This variant has not been reported in the literature in individuals affected with NOTCH2-related conditions. ClinVar contains an entry for this variant (Variation ID: 1371402). Invitae Evidence Modeling of protein sequence and biophysical properties (such as structural, functional, and spatial information, amino acid conservation, physicochemical variation, residue mobility, and thermodynamic stability) indicates that this missense variant is not expected to disrupt NOTCH2 protein function with a negative predictive value of 95%. In summary, the available evidence is currently insufficient to determine the role of this variant in disease. Therefore, it has been classified as a Variant of Uncertain Significance.

Fulgent Genetics
Classification: Uncertain significance for Hajdu-Cheney syndrome; Alagille syndrome due to a NOTCH2 point mutation. Last evaluated: 2024-04-19. Review status: criteria provided, single submitter. Criteria: ACMG Guidelines, 2015. Collection method: clinical testing. Allele origin: germline.